The following is an entry in ClinVar:

NM_001371986.1(UNC80):c.37G>A (p.Asp13Asn)

Gene: UNC80 (unc-80 homolog, NALCN channel complex subunit; plus strand). Cytogenetic location: 2q34.
Variant type: single nucleotide variant.
Coding change: c.37G>A on transcript NM_001371986.1 (MANE Select); coding-DNA position 37, G replaced by A.
Protein change: p.Asp13Asn; replaces aspartic acid 13 with asparagine.
Molecular consequence: missense variant.
Genome position (GRCh38, 1-based): chr2:209,772,109, G>A. VCF-style: chr2-209772109-G-A. GRCh37 (hg19) VCF-style: chr2-210636833-G-A.
Other names: c.37G>A, p.Asp13Asn (NM_032504.2, NM_182587.4); short protein forms D13N.
Identifiers: ClinVar variation 1356126 (VCV001356126.5), dbSNP rs2076605926, ClinGen allele CA350124226.

ClinVar aggregate classification (germline): Uncertain significance (1 of 4 stars; one submission).

Allele frequency attached by ClinVar (database versions not stated): gnomAD exomes below 0.00001; gnomAD 0.00001.
gnomAD v4.1: 7 of 1,549,212 alleles (0.00045%); highest among the groups gnomAD compares: East Asian, 0.0025%; no homozygotes.

Submission:

Labcorp Genetics (formerly Invitae), Labcorp
Classification: Uncertain significance. Last evaluated: 2022-06-05. Review status: criteria provided, single submitter. Criteria: Invitae Variant Classification Sherloc (09022015). Collection method: clinical testing. Allele origin: germline.
Comment: In summary, the available evidence is currently insufficient to determine the role of this variant in disease. Therefore, it has been classified as a Variant of Uncertain Significance. Algorithms developed to predict the effect of missense changes on protein structure and function are either unavailable or do not agree on the potential impact of this missense change (SIFT: "Not Available"; PolyPhen-2: "Benign"; Align-GVGD: "Not Available"). ClinVar contains an entry for this variant (Variation ID: 1356126). This variant has not been reported in the literature in individuals affected with UNC80-related conditions. This variant is not present in population databases (gnomAD no frequency). This sequence change replaces aspartic acid, which is acidic and polar, with asparagine, which is neutral and polar, at codon 13 of the UNC80 protein (p.Asp13Asn).